The following is an entry in ClinVar:

ClinVar aggregate classification (germline): Uncertain significance. Review status: criteria provided, multiple submitters, no conflicts (2 of 4 stars). 3 submissions from 3 submitters: Uncertain significance (3). Last evaluated 2025-12-12.

Allele frequency attached by ClinVar (database versions not stated): gnomAD exomes 0.00001; ExAC 0.00002; TOPMed 0.00007; ESP Exome Variant Server 0.00008; gnomAD 0.00008.
gnomAD v4.1: 24 of 1,611,906 alleles (0.0015%); highest among the groups gnomAD compares: African/African-American, 0.027%; no homozygotes.

Submissions (3):

Women's Health and Genetics/Laboratory Corporation of America, LabCorp
Classification: Uncertain significance. Last evaluated: 2025-12-12. Review status: criteria provided, single submitter. Criteria: LabCorp Variant Classification Summary - May 2015. Collection method: clinical testing. Allele origin: germline.
Comment: Variant summary: EDNRB c.214C>T (p.Pro72Ser) results in a non-conservative amino acid change in the encoded protein sequence. Algorithms developed to predict the effect of missense changes on protein structure and function are either unavailable or do not agree on the potential impact of this missense change. The variant allele was found at a frequency of 2e-05 in 250782 control chromosomes. The available data on variant occurrences in the general population are insufficient to allow any conclusion about variant significance. To our knowledge, no occurrence of c.214C>T in individuals affected with EDNRB-related conditions and no experimental evidence demonstrating its impact on protein function have been reported. ClinVar contains an entry for this variant (Variation ID: 2185276). Based on the evidence outlined above, the variant was classified as uncertain significance.

GeneDx
Classification: Uncertain significance. Last evaluated: 2025-07-12. Review status: criteria provided, single submitter. Criteria: GeneDx Variant Classification Process June 2021. Collection method: clinical testing. Allele origin: germline. Affected: yes.
Comment: In silico analysis suggests that this missense variant does not alter protein structure/function; Has not been previously published as pathogenic or benign to our knowledge

Labcorp Genetics (formerly Invitae), Labcorp
Classification: Uncertain significance. Last evaluated: 2022-10-17. Review status: criteria provided, single submitter. Criteria: Invitae Variant Classification Sherloc (09022015). Collection method: clinical testing. Allele origin: germline.
Comment: In summary, the available evidence is currently insufficient to determine the role of this variant in disease. Therefore, it has been classified as a Variant of Uncertain Significance. Algorithms developed to predict the effect of missense changes on protein structure and function (SIFT, PolyPhen-2, Align-GVGD) all suggest that this variant is likely to be tolerated. This variant has not been reported in the literature in individuals affected with EDNRB-related conditions. This variant is present in population databases (rs150750272, gnomAD 0.04%). This sequence change replaces proline, which is neutral and non-polar, with serine, which is neutral and polar, at codon 72 of the EDNRB protein (p.Pro72Ser).

NM_001122659.3(EDNRB):c.214C>T (p.Pro72Ser)

Gene: EDNRB (endothelin receptor type B; minus strand). Cytogenetic location: 13q22.3.
Variant type: single nucleotide variant.
Coding change: c.214C>T on transcript NM_001122659.3 (MANE Select); coding-DNA position 214, C replaced by T.
Protein change: p.Pro72Ser; replaces proline 72 with serine.
Molecular consequence: missense variant.
Genome position (GRCh38, 1-based): chr13:77,918,360, G>A on the plus strand (C>T on the coding strand, the complement: EDNRB is on the minus strand). VCF-style: chr13-77918360-G-A. GRCh37 (hg19) VCF-style: chr13-78492495-G-A.
Other names: c.214C>T, p.Pro72Ser (NM_000115.5, NM_003991.4); c.484C>T, p.Pro162Ser (NM_001201397.2); c.214C>T (NM_000115.3); short protein forms P162S, P72S.
Identifiers: ClinVar variation 2185276 (VCV002185276.6), dbSNP rs150750272, ClinGen allele CA7012377.